The following is an entry in ClinVar:

ClinVar aggregate classification (germline): Uncertain significance (1 of 4 stars; one submission).

Conditions:
RP1L1-related disorder. Also called: RP1L1-related condition.

gnomAD v4.1: 7 of 1,610,624 alleles (0.00043%); highest among the groups gnomAD compares: Non-Finnish European, 0.00059%; no homozygotes.

Submission:

PreventionGenetics, part of Exact Sciences
Classification: Uncertain significance for RP1L1-related condition. Last evaluated: 2026-08-26. Review status: criteria provided, single submitter. Criteria: ACMG Guidelines, 2015. Collection method: clinical testing. Allele origin: germline.
Comment: The RP1L1 c.4599C>A variant is predicted to result in the amino acid substitution p.His1533Gln. To our knowledge, this variant has not been reported in the literature or in a large population database (gnomAD), indicating this variant is rare. At this time, the clinical significance of this variant is uncertain due to the absence of conclusive functional and genetic evidence.

NM_178857.6(RP1L1):c.4599C>A (p.His1533Gln)

Gene: RP1L1 (RP1 like 1). Cytogenetic location: 8p23.1.
Variant type: single nucleotide variant.
Coding change: c.4599C>A on transcript NM_178857.6 (MANE Select); coding-DNA position 4599, C replaced by A.
Protein change: p.His1533Gln; replaces histidine 1533 with glutamine.
Molecular consequence: missense variant.
Genome position (GRCh38, 1-based): chr8:10,609,499, G>T on the plus strand (C>A on the coding strand, the complement: RP1L1 is on the minus strand). VCF-style: chr8-10609499-G-T. GRCh37 (hg19) VCF-style: chr8-10467009-G-T.
Other names: short protein forms H1533Q.
Identifiers: ClinVar variation 4997200 (VCV004997200.1).